The following is an entry in ClinVar:

NM_025137.4(SPG11):c.6266dup (p.Cys2090fs)

Gene: SPG11 (SPG11 vesicle trafficking associated, spatacsin; minus strand). Cytogenetic location: 15q21.1.
Variant type: Duplication.
Coding change: c.6266dup on transcript NM_025137.4 (MANE Select); coding-DNA position 6266, one base duplicated (T; older notation c.6266dupT).
Protein change: p.Cys2090fs; shifts the reading frame from cysteine 2090.
Molecular consequence: frameshift variant.
Genome position (GRCh38, 1-based): chr15:44,572,760, A duplicated on the plus strand (T on the coding strand, the reverse complement: SPG11 is on the minus strand). VCF-style (leftmost placement, unchanged base first): chr15-44572759-C-CA. GRCh37 (hg19) VCF-style: chr15-44864957-C-CA.
Other names: c.5927dup, p.Cys1977fs (NM_001160227.2); c.6122dup, p.Cys2042fs (NM_001411132.1); short protein forms C2090fs, C1977fs, C2042fs.
Identifiers: ClinVar variation 2972744 (VCV002972744.3), dbSNP rs2505221578, ClinGen allele CA2695220674.

ClinVar aggregate classification (germline): Pathogenic (1 of 4 stars; one submission).

Conditions:
Hereditary spastic paraplegia 11. Also called: Nakamura Osame syndrome; Autosomal recessive hereditary spastic paraplegia, mental impairment, and thin corpus callosum; Spastic Paraplegia 11; Spastic paraplegia, mental retardation and thin corpus callosum; SPASTIC PARAPLEGIA, AUTOSOMAL RECESSIVE, COMPLICATED, WITH THIN CORPUS CALLOSUM; SPASTIC PARAPLEGIA, AUTOSOMAL RECESSIVE, WITH MENTAL IMPAIRMENT AND THIN CORPUS CALLOSUM. Identifiers: Orphanet 2822, MedGen C1858479, MONDO:0011445, OMIM 604360.

Submission:

Labcorp Genetics (formerly Invitae), Labcorp
Classification: Pathogenic for Hereditary spastic paraplegia 11. Last evaluated: 2023-10-27. Review status: criteria provided, single submitter. Criteria: Invitae Variant Classification Sherloc (09022015). Collection method: clinical testing. Allele origin: germline.
Comment: This sequence change creates a premature translational stop signal (p.Cys2090Valfs*14) in the SPG11 gene. It is expected to result in an absent or disrupted protein product. Loss-of-function variants in SPG11 are known to be pathogenic (PMID: 19105190, 20110243, 22154821, 26556829). This variant is not present in population databases (gnomAD no frequency). This premature translational stop signal has been observed in individual(s) with SPG11-related conditions (PMID: 31692161). Algorithms developed to predict the effect of sequence changes on RNA splicing suggest that this variant may disrupt the consensus splice site. For these reasons, this variant has been classified as Pathogenic.

Literature cited by the submitters: PubMed 19105190; PubMed 20110243; PubMed 22154821; PubMed 26556829; PubMed 31692161.